The following is an entry in ClinVar:

NM_017780.4(CHD7):c.5051-4C>G

Gene: CHD7 (chromodomain helicase DNA binding protein 7; plus strand). Cytogenetic location: 8q12.2.
Variant type: single nucleotide variant.
Coding change: c.5051-4C>G on transcript NM_017780.4 (MANE Select); 4 bases into the intron before coding-DNA position 5051, C replaced by G.
Molecular consequence: intron variant.
Genome position (GRCh38, 1-based): chr8:60,845,246, C>G. VCF-style: chr8-60845246-C-G. GRCh37 (hg19) VCF-style: chr8-61757805-C-G.
Other names: c.1717-16983C>G (NM_001316690.1).
Identifiers: ClinVar variation 999816 (VCV000999816.22), dbSNP rs71640288, ClinGen allele CA1788128562.
Genomic context (GRCh38, chr8:60,845,246, plus strand): 5'-TCTGCCATTGACACTATAATTGGAATGTAAAAGGCTTCTATTATTATTATGATGGTGATT[C>G]TAGGTTTGTCAGCTCCTGTGCCAAGGGGAAGGAAGGGAAAGAAGGTGAAAGCCCAGAGCA-3'

ClinVar aggregate classification (germline): Likely benign. Review status: criteria provided, multiple submitters, no conflicts (2 of 4 stars). 2 submissions from 2 submitters: Likely benign (2). Last evaluated 2025-10-20.

Conditions:
CHARGE syndrome (CHARGE). Also called: Hittner Hirsch Kreh syndrome; Coloboma, heart anomaly, choanal atresia, retardation, genital and ear anomalies; CHARGE association; Hall-Hittner syndrome; CHARGE ASSOCIATION--COLOBOMA, HEART ANOMALY, CHOANAL ATRESIA, RETARDATION, GENITAL AND EAR ANOMALIES. Identifiers: Orphanet 138, MedGen C0265354, MONDO:0008965.

gnomAD v4.1: 3 of 1,606,566 alleles (0.00019%); highest among the groups gnomAD compares: Middle Eastern, 0.017%; no homozygotes.

Submissions (2):

Labcorp Genetics (formerly Invitae), Labcorp
Classification: Likely benign for CHARGE syndrome. Last evaluated: 2025-10-20. Review status: criteria provided, single submitter. Criteria: Invitae Variant Classification Sherloc (09022015). Collection method: clinical testing. Allele origin: germline.

CeGaT Center for Human Genetics Tuebingen
Classification: Likely benign. Last evaluated: 2024-10-01. Review status: criteria provided, single submitter. Criteria: CeGaT Center For Human Genetics Tuebingen Variant Classification Criteria Version 2. Collection method: clinical testing. Allele origin: germline. Affected: yes. Observed: 1 variant allele.
Comment: CHD7: BP4